The following is an entry in ClinVar:

NM_000059.4(BRCA2):c.3887del (p.Asn1296fs)

Gene: BRCA2 (BRCA2 DNA repair associated; plus strand). Cytogenetic location: 13q13.1.
Variant type: Deletion.
Coding change: c.3887del on transcript NM_000059.4 (MANE Select); coding-DNA position 3887, one base deleted (A; older notation c.3887delA).
Protein change: p.Asn1296fs; shifts the reading frame from asparagine 1296.
Molecular consequence: frameshift variant.
Genome position (GRCh38, 1-based): chr13:32,338,242, A deleted; the last of 4 consecutive A bases (chr13:32,338,239-32,338,242); deleting any one gives the same sequence. VCF-style (leftmost placement, unchanged base first): chr13-32338238-CA-C. GRCh37 (hg19) VCF-style: chr13-32912375-CA-C.
Other names: 4115delA; c.3887delA (NM_000059.3).
Identifiers: ClinVar variation 51552 (VCV000051552.11), dbSNP rs397507695, ClinGen allele CA019069.
Genomic context (GRCh38, chr13:32,338,238, plus strand): 5'-ATAGAAAATCATAATGATAAAACTGTAAGTGAAAAAAATAATAAATGCCAACTGATATTA[CA>C]AAATAATATTGAAATGACTACTGGCACTTTTGTTGAAGAAATTACTGAAAATTACAAGAG-3'

ClinVar aggregate classification (germline): Pathogenic. Review status: reviewed by expert panel (3 of 4 stars). 3 submissions from 3 submitters: Pathogenic (1). 2 of the submissions do not count toward it. Last evaluated 2016-10-18.

Conditions:
Hereditary breast ovarian cancer syndrome. Also called: BRCA1- and BRCA2-Associated Hereditary Breast and Ovarian Cancer; Hereditary breast and ovarian cancer syndrome; Hereditary breast and ovarian cancer syndrome (HBOC); Hereditary breast and/or ovarian cancer syndrome; Hereditary breast and ovarian cancer; Breast and ovarian cancer. Identifiers: Orphanet 145, MedGen C0677776, MeSH D061325, MONDO:0003582. Disease mechanism: loss of function.
Breast-ovarian cancer, familial, susceptibility to, 2 (BROVCA2). Also called: BRCA2 Hereditary Breast and Ovarian Cancer. Identifiers: Orphanet 145, MedGen C2675520, MONDO:0012933, OMIM 612555. Disease mechanism: loss of function.

Submissions (3):

Evidence-based Network for the Interpretation of Germline Mutant Alleles (ENIGMA)
Classification: Pathogenic for Breast-ovarian cancer, familial, susceptibility to, 2. Last evaluated: 2016-10-18. Review status: reviewed by expert panel. Criteria: ENIGMA BRCA1/2 Classification Criteria (2015). Collection method: curation. Allele origin: germline.
Comment: Variant allele predicted to encode a truncated non-functional protein.

Dasa
Classification: Pathogenic for Breast-ovarian cancer, familial, susceptibility to, 2. Last evaluated: 2026-04-23. Review status: criteria provided, single submitter. Criteria: DASA Assertion Criteria. Collection method: clinical testing. Allele origin: germline. Not counted in ClinVar's aggregate classification.
Comment: NM_000059.4(BRCA2):c.3887del (p.Asn1296Ilefs*5) introduces a premature termination codon predicted to result in loss of normal protein function. Loss-of-function is an established mechanism of disease for this gene. The variant is present at low frequency in population datasets. Based on the available data, this variant is classified as pathogenic.

Labcorp Genetics (formerly Invitae), Labcorp
Classification: Pathogenic for Hereditary breast ovarian cancer syndrome. Last evaluated: 2026-01-31. Review status: criteria provided, single submitter. Criteria: Invitae Variant Classification Sherloc (09022015). Collection method: clinical testing. Allele origin: germline. Not counted in ClinVar's aggregate classification.
Comment: This sequence change creates a premature translational stop signal (p.Asn1296Ilefs*5) in the BRCA2 gene. It is expected to result in an absent or disrupted protein product. Loss-of-function variants in BRCA2 are known to be pathogenic (PMID: 20104584). This variant is not present in population databases (gnomAD no frequency). This premature translational stop signal has been observed in individual(s) with breast cancer (PMID: 10498392). ClinVar contains an entry for this variant (Variation ID: 51552). For these reasons, this variant has been classified as Pathogenic.

Literature cited by the submitters: PubMed 20104584 (cited by Labcorp Genetics (formerly Invitae), Labcorp); PubMed 10498392 (cited by Labcorp Genetics (formerly Invitae), Labcorp).